The following is an entry in ClinVar:

ClinVar aggregate classification (germline): Conflicting classifications of pathogenicity. Review status: criteria provided, conflicting classifications (1 of 4 stars). 11 submissions from 11 submitters: Pathogenic (2); Likely pathogenic (7); Uncertain significance (1). 1 of the submissions does not count toward it. Last evaluated 2026-11-05.

Conditions:
Mitochondrial myopathy-cerebellar ataxia-pigmentary retinopathy syndrome. Also called: MYOPATHY, MITOCHONDRIAL, AND ATAXIA. Identifiers: Orphanet 502423, MedGen C4540096, MONDO:0044714, OMIM 617675.
Inborn genetic diseases. Identifiers: MedGen C0950123, MeSH D030342.
Fetal anomalies with a likely genetic cause.
MSTO1-related disorder. Also called: MSTO1‑Related Disease.

Allele frequency attached by ClinVar (database versions not stated): ExAC 0.00004; gnomAD exomes 0.00004 and 0.00003; gnomAD 0.00004; TOPMed 0.00004.
gnomAD v4.1: 62 of 1,613,770 alleles (0.0038%); highest among the groups gnomAD compares: Middle Eastern, 0.017%; no homozygotes.

Submissions (11):

Department of Neurology, The 980th Hospital of the People's Liberation Army Joint Logistics Support Force
Classification: Likely pathogenic for MSTO1‑Related Disease. Last evaluated: 2026-11-05. Review status: criteria provided, single submitter. Criteria: ACMG Guidelines, 2015. Collection method: research. Allele origin: germline. Affected: yes.
Comment: Likely pathogenic (PM2, PM3 Strong). Recurrent MSTO1 missense variant NM_018116.3:c.971C>T p.(Thr324Ile); PM3 (Strong): reported in trans with a pathogenic or likely pathogenic allele in at least four independent families - c.966+1G>A (PMID:28544275), p.(Arg345His) (PMID:31463572), c.13delG p.(Ala5ProfsTer68) (PMID:35446979) and p.(Ala370Pro) (PMID:40542878). PM2: gnomAD v4 global 0.0000156, East Asian 0.000251 (dbSNP rs622288). PP3 was not applied because in silico predictions were discordant and predominantly benign (REVEL 0.050; AlphaMissense 0.148; MetaRNN 0.101). Thr324 is conserved across vertebrates. No functional assays were performed.

Genetics Laboratory, Great Ormond Street Hospital NHS Foundation Trust, North Thames Genomic Laboratory Hub
Classification: Likely pathogenic for Fetal anomalies with a likely genetic cause. Last evaluated: 2026-08-08. Review status: criteria provided, single submitter. Criteria: ACGS Best Practice Guidelines for Variant Classification in Rare Disease 2024 v1.2. Collection method: clinical testing. Allele origin: germline. Affected: yes.
Comment: PM2_moderate, BP4_supporting, PM3_very-strong

3billion
Classification: Pathogenic for Mitochondrial myopathy-cerebellar ataxia-pigmentary retinopathy syndrome. Last evaluated: 2024-08-29. Review status: criteria provided, single submitter. Criteria: ACMG Guidelines, 2015. Collection method: clinical testing. Allele origin: germline. Affected: yes.
Comment: The variant is observed at an extremely low frequency in the gnomAD v4.0.0 dataset (total allele frequency: 0.004%). Predicted Consequence/Location: Missense variant Functional studies provide moderate evidence of the variant having a damaging effect on the gene or gene product (PMID: 28544275). In silico tool predictions suggest damaging effect of the variant on gene or gene product [3Cnet: 0.79 (>=0.6, sensitivity 0.72 and precision 0.9)]. The same nucleotide change resulting in the same amino acid change has been previously reported as pathogenic/likely pathogenic with strong evidence (ClinVar ID: VCV000438833 /PMID: 28544275 /3billion dataset). Therefore, this variant is classified as Pathogenic according to the recommendation of ACMG/AMP guideline.

GeneDx
Classification: Likely pathogenic. Last evaluated: 2024-06-03. Review status: criteria provided, single submitter. Criteria: GeneDx Variant Classification Process June 2021. Collection method: clinical testing. Allele origin: germline. Affected: yes.
Comment: In silico analysis supports that this missense variant does not alter protein structure/function; This variant is associated with the following publications: (PMID: 29339779, 28544275, 31130378, 30684668, 31607746, 31463572, 35598585, 33222031, 35446979, 33672784, 36468072)

Women's Health and Genetics/Laboratory Corporation of America, LabCorp
Classification: Likely pathogenic for Mitochondrial myopathy-cerebellar ataxia-pigmentary retinopathy syndrome. Last evaluated: 2021-04-23. Review status: criteria provided, single submitter. Criteria: LabCorp Variant Classification Summary - May 2015. Collection method: clinical testing. Allele origin: germline.
Comment: Variant summary: MSTO1 c.971C>T (p.Thr324Ile) results in a non-conservative amino acid change located in the DML1/Misato, tubulin domain of the encoded protein sequence. Three of five in-silico tools predict a benign effect of the variant on protein function. The variant allele was found at a frequency of 3.6e-05 in 250888 control chromosomes (gnomAD). c.971C>T has been reported in the literature in four independent indviduals carrying a second MSTO1 variant, whose clinical features overlap with Mitochondrial Myopathy-Cerebellar Ataxia-Pigmentary Retinopathy Syndrome, including delayed motor and speech development, muscle weakness, unsteady gait/poor coordination, tremor, and abnormal EMG, MRI and/or muscle biopsy (Nasca_2017, Donkervoort_2019, Jiao_2020, Lee_2020). To our knowledge, no conclusive functional/experimental studies have been performed on the variant of interest. Two clinical diagnostic laboratories have submitted clinical-significance assessments for this variant to ClinVar after 2014 without evidence for independent evaluation. One laboratory classified the variant as likely pathogenic, and one laboratory classified the variant as uncertain significance. Based on the evidence outlined above, the variant was classified as likely pathogenic.

Ambry Genetics
Classification: Uncertain significance for Inborn genetic diseases. Last evaluated: 2017-12-18. Review status: criteria provided, single submitter. Criteria: Ambry exome assertion method (8-5-2015). Collection method: clinical testing. Allele origin: germline. Affected: yes. Observed: 1 variant allele.

Undiagnosed Diseases Network, NIH
Classification: Likely pathogenic for Mitochondrial myopathy-cerebellar ataxia-pigmentary retinopathy syndrome. Last evaluated: 2017-12-14. Review status: criteria provided, single submitter. Criteria: ACMG Guidelines, 2015. Collection method: clinical testing. Allele origin: paternal. Inheritance: Autosomal recessive inheritance. Affected: yes. Observed: 1 variant allele, 1 compound heterozygote.
Comment: The c.971C>T (p.Thr324Ile) variant in MSTO1 is a nonsense variant. This variant was identified as a compound heterozygote with c.676C>T (p.Gln226Ter). The variant is seen in 13 individual in gnomAD as a heterozygote and has been reported in a similarly affected patient.

Juno Genomics, Hangzhou Juno Genomics, Inc
Classification: Likely pathogenic for Mitochondrial myopathy-cerebellar ataxia-pigmentary retinopathy syndrome. Review status: criteria provided, single submitter. Criteria: ACMG Guidelines, 2015. Collection method: clinical testing. Allele origin: germline. Affected: yes.
Comment: Absent from controls (or at extremely low frequency if recessive) in Genome Aggregation Database, Exome Sequencing Project, 1000 Genomes Project, or Exome Aggregation Consortium.;Well-established in vitro or in vivo functional studies supportive of a damaging effect on the gene or gene product.;For recessive disorders, detected in trans with a pathogenic variant.;Patient's phenotype or family history is highly specific for a disease with a single genetic etiology.

Kasturba Medical College, Manipal, Kasturba Medical College, Manipal, Manipal Academy of Higher Education, Manipal, India
Classification: Likely pathogenic for Mitochondrial myopathy-cerebellar ataxia-pigmentary retinopathy syndrome. Review status: criteria provided, single submitter. Criteria: ACMG Guidelines, 2015. Collection method: clinical testing. Allele origin: inherited. Affected: yes.

Neuberg Centre For Genomic Medicine, NCGM
Classification: Pathogenic for Mitochondrial myopathy-cerebellar ataxia-pigmentary retinopathy syndrome. Review status: criteria provided, single submitter. Criteria: ACMG Guidelines, 2015. Collection method: clinical testing. Allele origin: germline. Inheritance: Autosomal recessive inheritance. Affected: yes.

OMIM
Classification: Pathogenic for MYOPATHY, MITOCHONDRIAL, AND ATAXIA, AUTOSOMAL RECESSIVE. Last evaluated: 2017-09-22. Review status: no assertion criteria provided. Collection method: literature only. Allele origin: germline. Not counted in ClinVar's aggregate classification.

Literature cited by the submitters: PubMed 28544275 (cited by 6 submitters); PubMed 31463572 (cited by Women's Health and Genetics/Laboratory Corporation of America, LabCorp); PubMed 33222031 (cited by Women's Health and Genetics/Laboratory Corporation of America, LabCorp); PubMed 31607746 (cited by Women's Health and Genetics/Laboratory Corporation of America, LabCorp).

NM_018116.4(MSTO1):c.971C>T (p.Thr324Ile)

Gene: MSTO1 (misato mitochondrial distribution and morphology regulator 1; plus strand). Cytogenetic location: 1q22.
Variant type: single nucleotide variant.
Coding change: c.971C>T on transcript NM_018116.4 (MANE Select); coding-DNA position 971, C replaced by T.
Protein change: p.Thr324Ile; replaces threonine 324 with isoleucine.
Molecular consequence: missense variant. On other transcripts: non-coding transcript variant (6).
Genome position (GRCh38, 1-based): chr1:155,612,848, C>T. VCF-style: chr1-155612848-C-T. GRCh37 (hg19) VCF-style: chr1-155582639-C-T.
Other names: c.971C>T, p.Thr324Ile (NM_001350775.1, NM_001256532.1, NM_001256533.1 and 3 more transcripts); c.806C>T, p.Thr269Ile (NM_001350776.1); c.440C>T, p.Thr147Ile (NM_001350777.1, NM_001350778.1, NM_001350779.1); c.437C>T, p.Thr146Ile (NM_001350780.1, NM_001350781.1, NM_001350782.1 and 3 more transcripts); c.428C>T, p.Thr143Ile (NM_001350784.1, NM_001350785.1, NM_001350787.1 and 1 more transcripts); short protein forms T324I, T146I, T147I, T143I, T269I.
Identifiers: ClinVar variation 438833 (VCV000438833.20), dbSNP rs622288, ClinGen allele CA1148096.